The following is an entry in ClinVar:

NM_005996.4(TBX3):c.278T>G (p.Met93Arg)

Genes: TBX3 (T-box transcription factor 3; minus strand), TBX3-AS1 (TBX3 antisense RNA 1; plus strand). Cytogenetic location: 12q24.21.
Variant type: single nucleotide variant.
Coding change: c.278T>G on transcript NM_005996.4 (MANE Select); coding-DNA position 278, T replaced by G.
Protein change: p.Met93Arg; replaces methionine 93 with arginine.
Molecular consequence: missense variant.
Genome position (GRCh38, 1-based): chr12:114,682,923, A>C on the plus strand (T>G on the coding strand, the complement: TBX3 is on the minus strand). VCF-style: chr12-114682923-A-C. GRCh37 (hg19) VCF-style: chr12-115120728-A-C.
Other names: c.278T>G, p.Met93Arg (NM_016569.4); short protein forms M93R.
Identifiers: ClinVar variation 3349131 (VCV003349131.1).

ClinVar aggregate classification (germline): Uncertain significance (0 of 4 stars; one submission).

Conditions:
TBX3-related disorder. Also called: TBX3-related condition.

Submission:

PreventionGenetics, part of Exact Sciences
Classification: Uncertain significance for TBX3-related condition. Last evaluated: 2024-01-16. Review status: no assertion criteria provided. Collection method: clinical testing. Allele origin: germline.
Comment: The TBX3 c.278T>G variant is predicted to result in the amino acid substitution p.Met93Arg. To our knowledge, this variant has not been reported in the literature or in a large population database, indicating this variant is rare. At this time, the clinical significance of this variant is uncertain due to the absence of conclusive functional and genetic evidence.